The following is an entry in ClinVar:

ClinVar aggregate classification (germline): Uncertain significance. Review status: criteria provided, multiple submitters, no conflicts (2 of 4 stars). 8 submissions from 8 submitters: Uncertain significance (7). 1 of the submissions does not count toward it. Last evaluated 2026-01-05.

Conditions:
Familial cancer of breast. Also called: BREAST CANCER, FAMILIAL; Hereditary breast cancer; hereditary breast carcinoma. Identifiers: Orphanet 227535, MedGen C0346153, MONDO:0016419, OMIM 114480. Disease mechanism: loss of function.
Fanconi anemia complementation group N. Also called: PALB2-Related Fanconi Anemia. Identifiers: Orphanet 84, MedGen C1835817, MONDO:0012565, OMIM 610832. Disease mechanism: loss of function.
Pancreatic cancer, susceptibility to, 3. Identifiers: Orphanet 1333, MedGen C3150547, MONDO:0013236, OMIM 613348.
Hereditary cancer-predisposing syndrome. Also called: Neoplastic Syndromes, Hereditary; Tumor predisposition; Hereditary neoplastic syndrome; Hereditary Cancer Syndrome. Identifiers: Orphanet 140162, MedGen C0027672, MeSH D009386, MONDO:0015356.

Allele frequency attached by ClinVar (database versions not stated): gnomAD exomes below 0.00001; gnomAD 0.00001.

Submissions (8):

Labcorp Genetics (formerly Invitae), Labcorp
Classification: Uncertain significance for Familial cancer of breast. Last evaluated: 2026-01-05. Review status: criteria provided, single submitter. Criteria: Invitae Variant Classification Sherloc (09022015). Collection method: clinical testing. Allele origin: germline.
Comment: This sequence change replaces proline, which is neutral and non-polar, with threonine, which is neutral and polar, at codon 885 of the PALB2 protein (p.Pro885Thr). This variant is not present in population databases (gnomAD no frequency). This variant has not been reported in the literature in individuals affected with PALB2-related conditions. ClinVar contains an entry for this variant (Variation ID: 241549). Invitae Evidence Modeling of protein sequence and biophysical properties (such as structural, functional, and spatial information, amino acid conservation, physicochemical variation, residue mobility, and thermodynamic stability) indicates that this missense variant is expected to disrupt PALB2 protein function with a positive predictive value of 80%. In summary, the available evidence is currently insufficient to determine the role of this variant in disease. Therefore, it has been classified as a Variant of Uncertain Significance.

Center for Genomic Medicine, Rigshospitalet, Copenhagen University Hospital
Classification: Uncertain significance. Last evaluated: 2025-12-29. Review status: criteria provided, single submitter. Criteria: ACMG Guidelines, 2015. Collection method: clinical testing. Allele origin: germline.
Comment: Classification criteria: BP1

Ambry Genetics
Classification: Uncertain significance for Hereditary cancer-predisposing syndrome. Last evaluated: 2025-10-22. Review status: criteria provided, single submitter. Criteria: Ambry Variant Classification Scheme 2023. Collection method: clinical testing. Allele origin: germline.

GeneDx
Classification: Uncertain significance. Last evaluated: 2023-12-22. Review status: criteria provided, single submitter. Criteria: GeneDx Variant Classification Process June 2021. Collection method: clinical testing. Allele origin: germline. Affected: yes.
Comment: Not observed at significant frequency in large population cohorts (gnomAD); In silico analysis supports that this missense variant has a deleterious effect on protein structure/function; Observed in cases and controls in a breast cancer study (PMID: 33471991); This variant is associated with the following publications: (PMID: 33471991, 24485656, 19609323, 20871615)

Myriad Genetics, Inc.
Classification: Uncertain significance for Familial cancer of breast. Last evaluated: 2023-03-30. Review status: criteria provided, single submitter. Criteria: Myriad Autosomal Dominant, Autosomal Recessive and X-Linked Classification Criteria (2023). Collection method: clinical testing. Allele origin: unknown.
Comment: This variant is classified as a variant of uncertain significance as there is insufficient evidence to determine its impact on protein function and/or cancer risk.

Fulgent Genetics
Classification: Uncertain significance for Familial cancer of breast; Fanconi anemia complementation group N; Pancreatic cancer, susceptibility to, 3. Last evaluated: 2022-01-25. Review status: criteria provided, single submitter. Criteria: ACMG Guidelines, 2015. Collection method: clinical testing. Allele origin: unknown.

Women's Health and Genetics/Laboratory Corporation of America, LabCorp
Classification: Uncertain significance. Last evaluated: 2018-09-07. Review status: criteria provided, single submitter. Criteria: LabCorp Variant Classification Summary - May 2015. Collection method: clinical testing. Allele origin: germline.
Comment: Variant summary: PALB2 c.2653C>A (p.Pro885Thr) results in a non-conservative amino acid change located in the Partner and localiser of BRCA2, WD40 domain of the encoded protein sequence. Three of five in-silico tools predict a benign effect of the variant on protein function. The variant was absent in 246270 control chromosomes. The available data on variant occurrences in the general population are insufficient to allow any conclusion about variant significance. To our knowledge, no occurrence of c.2653C>A in individuals affected with Hereditary Breast and Ovarian Cancer and no experimental evidence demonstrating its impact on protein function have been reported. Co-occurrence with a pathogenic variant has been identified by our laboratory (BRIP1 c.1474-1G>A), providing supporting evidence for a benign role. Three clinical diagnostic laboratories have submitted clinical-significance assessments for this variant to ClinVar after 2014 and all classified the variant as uncertain significance. Based on the evidence outlined above, the variant was classified as uncertain significance.

Counsyl
Classification: Uncertain significance for Familial cancer of breast. Last evaluated: 2016-08-16. Review status: no assertion criteria provided. Collection method: clinical testing. Allele origin: unknown. Not counted in ClinVar's aggregate classification.

NM_024675.4(PALB2):c.2653C>A (p.Pro885Thr)

Gene: PALB2 (partner and localizer of BRCA2; minus strand). Cytogenetic location: 16p12.2.
Variant type: single nucleotide variant.
Coding change: c.2653C>A on transcript NM_024675.4 (MANE Select); coding-DNA position 2653, C replaced by A.
Protein change: p.Pro885Thr; replaces proline 885 with threonine.
Molecular consequence: missense variant.
Genome position (GRCh38, 1-based): chr16:23,626,331, G>T on the plus strand (C>A on the coding strand, the complement: PALB2 is on the minus strand). VCF-style: chr16-23626331-G-T. GRCh37 (hg19) VCF-style: chr16-23637652-G-T.
Other names: short protein forms P885T.
Identifiers: ClinVar variation 241549 (VCV000241549.24), dbSNP rs878855111, ClinGen allele CA10583358.